The following is an entry in ClinVar:

NM_000489.6(ATRX):c.1154C>T (p.Ser385Phe)

Gene: ATRX (ATRX chromatin remodeler; minus strand). Cytogenetic location: Xq21.1.
Variant type: single nucleotide variant.
Coding change: c.1154C>T on transcript NM_000489.6 (MANE Select); coding-DNA position 1154, C replaced by T.
Protein change: p.Ser385Phe; replaces serine 385 with phenylalanine.
Molecular consequence: missense variant.
Genome position (GRCh38, 1-based): chrX:77,684,102, G>A on the plus strand (C>T on the coding strand, the complement: ATRX is on the minus strand). VCF-style: chrX-77684102-G-A. GRCh37 (hg19) VCF-style: chrX-76939594-G-A.
Other names: c.1040C>T, p.Ser347Phe (NM_138270.5); short protein forms S347F, S385F.
Identifiers: ClinVar variation 2635851 (VCV002635851.1), dbSNP rs138366560, ClinGen allele CA331569059.

ClinVar aggregate classification (germline): Uncertain significance (1 of 4 stars; one submission).

Conditions:
ATRX-related disorder. Also called: ATRX-related condition.

Allele frequency attached by ClinVar (database versions not stated): gnomAD 0.00001; TOPMed 0.00001; ESP Exome Variant Server 0.00009.
gnomAD v4.1: 10 of 1,205,970 alleles (0.00083%); highest among the groups gnomAD compares: Non-Finnish European, 0.0011%; no homozygotes.

Submission:

PreventionGenetics, part of Exact Sciences
Classification: Uncertain significance for ATRX-related condition. Last evaluated: 2022-09-23. Review status: criteria provided, single submitter. Criteria: ACMG Guidelines, 2015. Collection method: clinical testing. Allele origin: germline.
Comment: The ATRX c.1154C>T variant is predicted to result in the amino acid substitution p.Ser385Phe. To our knowledge, this variant has not been reported in the literature. This variant is reported in 0.0012% of alleles in individuals of European (Non-Finnish) descent in gnomAD. At this time, the clinical significance of this variant is uncertain due to the absence of conclusive functional and genetic evidence.